The following is an entry in ClinVar:

ClinVar aggregate classification (germline): Likely pathogenic. Review status: criteria provided, single submitter (1 of 4 stars). 2 submissions from 2 submitters: Likely pathogenic (1). 1 of the submissions does not count toward it. Last evaluated 2025-12-08.

Conditions:
Hurler syndrome. Also called: Gargoylism, Hurler Syndrome; MUCOPOLYSACCHARIDOSIS TYPE IH; Severe MPS I (Hurler Syndrome). Identifiers: Orphanet 93473, MedGen C0086795, MONDO:0011758, OMIM 607014.
Mucopolysaccharidosis type 1. Also called: Mucopolysaccharidosis Type I; IDUA deficiency; MPS I. Identifiers: Orphanet 579, MedGen C0023786, MONDO:0001586.

Submissions (2):

Natera, Inc.
Classification: Likely pathogenic for Mucopolysaccharidosis type I. Last evaluated: 2025-12-08. Review status: criteria provided, single submitter. Criteria: Natera Variant Classification Schema (03/2026). Collection method: clinical testing. Allele origin: germline.
Comment: The c.493+1G>A variant in IDUA is a canonical splice donor site variant predicted to affect pre-mRNA splicing, which may result in an abnormal transcript and altered protein product. This variant is expected to result in nonsense mediated decay, truncation, or a dysfunctional protein product. This variant is rare in the general population with a frequency below the threshold expected for the associated phenotype(s). This variant has been observed in one or more individuals affected with the associated recessive disease, as either homozygous or compound heterozygous with a second variant (PMID: 21394825). Given the available evidence, this variant is classified as Likely Pathogenic.

Counsyl
Classification: Likely pathogenic for Hurler syndrome. Last evaluated: 2018-04-29. Review status: no assertion criteria provided. Collection method: clinical testing. Allele origin: unknown. Not counted in ClinVar's aggregate classification.

Literature cited by the submitters: PubMed 21394825 (cited by Natera, Inc. and Counsyl).

NM_000203.5(IDUA):c.493+1G>A

Gene: IDUA (alpha-L-iduronidase; plus strand). Cytogenetic location: 4p16.3.
Variant type: single nucleotide variant.
Coding change: c.493+1G>A on transcript NM_000203.5 (MANE Select); the canonical splice donor site of the intron after coding-DNA position 493, G replaced by A.
Molecular consequence: splice donor variant.
Genome position (GRCh38, 1-based): chr4:1,000,990, G>A. VCF-style: chr4-1000990-G-A. GRCh37 (hg19) VCF-style: chr4-994778-G-A.
Other names: c.97+1G>A (NM_001363576.1); c.493+1G>A (NM_000203.4).
Identifiers: ClinVar variation 558143 (VCV000558143.3), dbSNP rs1553916957, ClinGen allele CA355961625.